The following is an entry in ClinVar:

NM_001367624.2(ZNF469):c.11051C>T (p.Ser3684Leu)

Gene: ZNF469 (zinc finger protein 469; plus strand). Cytogenetic location: 16q24.2.
Variant type: single nucleotide variant.
Coding change: c.11051C>T on transcript NM_001367624.2 (MANE Select); coding-DNA position 11051, C replaced by T.
Protein change: p.Ser3684Leu; replaces serine 3684 with leucine.
Molecular consequence: missense variant.
Genome position (GRCh38, 1-based): chr16:88,438,521, C>T. VCF-style: chr16-88438521-C-T. GRCh37 (hg19) VCF-style: chr16-88504929-C-T.
Other names: NM_001127464.1:c.10967C>T; short protein forms S3684L.
Identifiers: ClinVar variation 1901542 (VCV001901542.3), dbSNP rs770468538, ClinGen allele CA8225574.

ClinVar aggregate classification (germline): Conflicting classifications of pathogenicity. Review status: criteria provided, conflicting classifications (1 of 4 stars). 2 submissions from 2 submitters: Uncertain significance (1); Likely benign (1). Last evaluated 2024-09-17.

Conditions:
Cardiovascular phenotype. Identifiers: MedGen CN230736.

Allele frequency attached by ClinVar (database versions not stated): TOPMed below 0.00001; gnomAD 0.00003; gnomAD exomes 0.00003; ExAC 0.00006.
gnomAD v4.1: 41 of 1,550,004 alleles (0.0026%); highest among the groups gnomAD compares: Non-Finnish European, 0.0011%; no homozygotes.

Submissions (2):

Ambry Genetics
Classification: Likely benign for Cardiovascular phenotype. Last evaluated: 2024-09-17. Review status: criteria provided, single submitter. Criteria: Ambry Variant Classification Scheme 2023. Collection method: clinical testing. Allele origin: germline.

Labcorp Genetics (formerly Invitae), Labcorp
Classification: Uncertain significance. Last evaluated: 2022-07-17. Review status: criteria provided, single submitter. Criteria: Invitae Variant Classification Sherloc (09022015). Collection method: clinical testing. Allele origin: germline.
Comment: This sequence change replaces serine, which is neutral and polar, with leucine, which is neutral and non-polar, at codon 3656 of the ZNF469 protein (p.Ser3656Leu). This variant is present in population databases (rs770468538, gnomAD 0.04%). This variant has not been reported in the literature in individuals affected with ZNF469-related conditions. Algorithms developed to predict the effect of missense changes on protein structure and function output the following: SIFT: "Deleterious"; PolyPhen-2: "Benign"; Align-GVGD: "Class C0". The leucine amino acid residue is found in multiple mammalian species, which suggests that this missense change does not adversely affect protein function. In summary, the available evidence is currently insufficient to determine the role of this variant in disease. Therefore, it has been classified as a Variant of Uncertain Significance.